The following is an entry in ClinVar:

NM_018026.4(PACS1):c.1939G>T (p.Ala647Ser)

Gene: PACS1 (phosphofurin acidic cluster sorting protein 1; plus strand). Cytogenetic location: 11q13.2.
Variant type: single nucleotide variant.
Coding change: c.1939G>T on transcript NM_018026.4 (MANE Select); coding-DNA position 1939, G replaced by T.
Protein change: p.Ala647Ser; replaces alanine 647 with serine.
Molecular consequence: missense variant.
Genome position (GRCh38, 1-based): chr11:66,233,885, G>T. VCF-style: chr11-66233885-G-T. GRCh37 (hg19) VCF-style: chr11-66001356-G-T.
Other names: short protein forms A647S.
Identifiers: ClinVar variation 2016542 (VCV002016542.4), dbSNP rs975194655, ClinGen allele CA381372729.

ClinVar aggregate classification (germline): Uncertain significance (1 of 4 stars; one submission).

Conditions:
Schuurs-Hoeijmakers syndrome. Also called: PACS1-Related Neurodevelopmental Disorder. Identifiers: Orphanet 329224, MedGen C3554343, MONDO:0014006, OMIM 615009.

Submission:

Labcorp Genetics (formerly Invitae), Labcorp
Classification: Uncertain significance for Schuurs-Hoeijmakers syndrome. Last evaluated: 2022-07-13. Review status: criteria provided, single submitter. Criteria: Invitae Variant Classification Sherloc (09022015). Collection method: clinical testing. Allele origin: germline.
Comment: This sequence change replaces alanine, which is neutral and non-polar, with serine, which is neutral and polar, at codon 647 of the PACS1 protein (p.Ala647Ser). This variant is not present in population databases (gnomAD no frequency). This variant has not been reported in the literature in individuals affected with PACS1-related conditions. Algorithms developed to predict the effect of missense changes on protein structure and function are either unavailable or do not agree on the potential impact of this missense change (SIFT: "Tolerated"; PolyPhen-2: "Probably Damaging"; Align-GVGD: "Class C0"). In summary, the available evidence is currently insufficient to determine the role of this variant in disease. Therefore, it has been classified as a Variant of Uncertain Significance.